The following is an entry in ClinVar:

ClinVar aggregate classification (germline): Likely pathogenic (1 of 4 stars; one submission).

Conditions:
Dyskeratosis congenita, autosomal recessive 6 (DKCB6). Identifiers: MedGen C4225356, MONDO:0014600, OMIM 616353.
Pulmonary fibrosis and/or bone marrow failure, Telomere-related, 4. Also called: PULMONARY FIBROSIS AND/OR BONE MARROW FAILURE SYNDROME, TELOMERE-RELATED, 4. Identifiers: Orphanet 2032, MedGen C4225347, MONDO:0014612, OMIM 616371.

gnomAD v4.1: 2 of 1,590,236 alleles (0.00013%); highest among the groups gnomAD compares: Non-Finnish European, 0.00017%; no homozygotes.

Submission:

Labcorp Genetics (formerly Invitae), Labcorp
Classification: Likely pathogenic for Dyskeratosis congenita, autosomal recessive 6; Pulmonary fibrosis and/or bone marrow failure, Telomere-related, 4. Last evaluated: 2024-04-29. Review status: criteria provided, single submitter. Criteria: Invitae Variant Classification Sherloc (09022015). Collection method: clinical testing. Allele origin: germline.
Comment: This sequence change affects an acceptor splice site in intron 21 of the PARN gene. It is expected to disrupt RNA splicing. Variants that disrupt the donor or acceptor splice site typically lead to a loss of protein function (PMID: 16199547), and loss-of-function variants in PARN are known to be pathogenic (PMID: 9736620, 25848748, 26810774). This variant is not present in population databases (gnomAD no frequency). This variant has not been reported in the literature in individuals affected with PARN-related conditions. Algorithms developed to predict the effect of sequence changes on RNA splicing suggest that this variant may disrupt the consensus splice site. In summary, the currently available evidence indicates that the variant is pathogenic, but additional data are needed to prove that conclusively. Therefore, this variant has been classified as Likely Pathogenic.

Literature cited by the submitters: PubMed 16199547; PubMed 9736620; PubMed 25848748; PubMed 26810774.

NM_002582.4(PARN):c.1481-2A>G

Gene: PARN (poly(A)-specific ribonuclease; minus strand). Cytogenetic location: 16p13.12.
Variant type: single nucleotide variant.
Coding change: c.1481-2A>G on transcript NM_002582.4 (MANE Select); the canonical splice acceptor site of the intron before coding-DNA position 1481, A replaced by G.
Molecular consequence: splice acceptor variant.
Genome position (GRCh38, 1-based): chr16:14,482,829, T>C on the plus strand (A>G on the coding strand, the complement: PARN is on the minus strand). VCF-style: chr16-14482829-T-C. GRCh37 (hg19) VCF-style: chr16-14576686-T-C.
Other names: c.1298-2A>G (NM_001134477.3); c.1343-2A>G (NM_001242992.2).
Identifiers: ClinVar variation 3761999 (VCV003761999.2).
Genomic context (GRCh38, chr16:14,482,829, plus strand): 5'-CATATATTCAGCATAGGTTTGGATCCGATAGCTTTCTGCATATTTGCTGGTATTGACAGC[T>C]ACAAGGAAAAGAAAAAAAAATAAAATGCTTACAAAAGTCTGGCCTAGCCCCAAAGATGAC-3'